The following is an entry in ClinVar:

ClinVar aggregate classification (germline): Conflicting classifications of pathogenicity. Review status: criteria provided, conflicting classifications (1 of 4 stars). 2 submissions from 2 submitters: Uncertain significance (1); Benign (1). Last evaluated 2025-08-04.

Conditions:
Tuberous sclerosis 2 (TSC2). Identifiers: Orphanet 805, MedGen C1860707, MONDO:0013199, OMIM 613254.
Hereditary cancer-predisposing syndrome. Also called: Tumor predisposition; Hereditary neoplastic syndrome; Neoplastic Syndromes, Hereditary; Hereditary Cancer Syndrome. Identifiers: Orphanet 140162, MedGen C0027672, MeSH D009386, MONDO:0015356.

Allele frequency attached by ClinVar (database versions not stated): ExAC 0.00001.
gnomAD v4.1: 3 of 1,612,588 alleles (0.00019%); highest among the groups gnomAD compares: East Asian, 0.0022%; no homozygotes.

Submissions (2):

Labcorp Genetics (formerly Invitae), Labcorp
Classification: Benign for Tuberous sclerosis 2. Last evaluated: 2025-08-04. Review status: criteria provided, single submitter. Criteria: Invitae Variant Classification Sherloc (09022015). Collection method: clinical testing. Allele origin: germline.

Ambry Genetics
Classification: Uncertain significance for Hereditary cancer-predisposing syndrome. Last evaluated: 2023-05-27. Review status: criteria provided, single submitter. Criteria: Ambry Variant Classification Scheme 2023. Collection method: clinical testing. Allele origin: germline.
Comment: The p.Q1779H variant (also known as c.5337G>C), located in coding exon 41 of the TSC2 gene, results from a G to C substitution at nucleotide position 5337. The glutamine at codon 1779 is replaced by histidine, an amino acid with highly similar properties. This amino acid position is conserved. In addition, the in silico prediction for this alteration is inconclusive. Since supporting evidence is limited at this time, the clinical significance of this alteration remains unclear.

NM_000548.5(TSC2):c.5337G>C (p.Gln1779His)

Gene: TSC2 (TSC complex subunit 2; plus strand). Cytogenetic location: 16p13.3.
Variant type: single nucleotide variant.
Coding change: c.5337G>C on transcript NM_000548.5 (MANE Select); coding-DNA position 5337, G replaced by C.
Protein change: p.Gln1779His; replaces glutamine 1779 with histidine.
Molecular consequence: missense variant.
Genome position (GRCh38, 1-based): chr16:2,088,523, G>C. VCF-style: chr16-2088523-G-C. GRCh37 (hg19) VCF-style: chr16-2138524-G-C.
Other names: c.5337G>C (NM_000548.3); c.5136G>C, p.Gln1712His (NM_001077183.3); c.5268G>C, p.Gln1756His (NM_001114382.3); c.5028G>C, p.Gln1676His (NM_001318827.2); c.4992G>C, p.Gln1664His (NM_001318829.2); c.4605G>C, p.Gln1535His (NM_001318831.2); c.5169G>C, p.Gln1723His (NM_001318832.2); c.5139G>C, p.Gln1713His (NM_001363528.2); and 3 more; short protein forms Q1664H, Q1732H, Q1535H, Q1712H, Q1736H, Q1713H, Q1723H, Q1735H.
Identifiers: ClinVar variation 1507258 (VCV001507258.9), dbSNP rs768237144, ClinGen allele CA055156.
Genomic context (GRCh38, chr16:2,088,523, plus strand): 5'-CTACTCCAACCCCAGCCTACCTCTGGTGCACCCTCCGTCCCATAGCAAAGCCCCTGCACA[G>C]ACTCCAGCCGAGCCCACACCTGGCTATGAGGTGGGCCAGCGGAAGCGCCTCATCTCCTCG-3'
Protein context (NP_000539.2, residues 1769-1789): HPPSHSKAPA[Gln1779His]TPAEPTPGYE